The following is an entry in ClinVar:

ClinVar aggregate classification (germline): Uncertain significance. Review status: criteria provided, multiple submitters, no conflicts (2 of 4 stars). 3 submissions from 3 submitters: Uncertain significance (3). Last evaluated 2025-05-19.

Conditions:
Hypercoagulability syndrome due to glycosylphosphatidylinositol deficiency (GPIBD1). Also called: GLYCOSYLPHOSPHATIDYLINOSITOL BIOSYNTHESIS DEFECT 1. Identifiers: Orphanet 83639, MedGen C5201145, MONDO:0012465, OMIM 610293.

Allele frequency attached by ClinVar (database versions not stated): gnomAD 0.00003; ExAC 0.00005; gnomAD exomes 0.00006; TOPMed 0.00007; ESP Exome Variant Server 0.00008.
gnomAD v4.1: 91 of 1,614,108 alleles (0.0056%); highest among the groups gnomAD compares: Non-Finnish European, 0.0069%; no homozygotes.

Submissions (3):

Labcorp Genetics (formerly Invitae), Labcorp
Classification: Uncertain significance for Hypercoagulability syndrome due to glycosylphosphatidylinositol deficiency. Last evaluated: 2025-05-19. Review status: criteria provided, single submitter. Criteria: Invitae Variant Classification Sherloc (09022015). Collection method: clinical testing. Allele origin: germline.
Comment: This sequence change replaces tryptophan, which is neutral and slightly polar, with arginine, which is basic and polar, at codon 364 of the PIGM protein (p.Trp364Arg). This variant is present in population databases (rs376650850, gnomAD 0.02%). This variant has not been reported in the literature in individuals affected with PIGM-related conditions. ClinVar contains an entry for this variant (Variation ID: 2071768). Invitae Evidence Modeling of protein sequence and biophysical properties (such as structural, functional, and spatial information, amino acid conservation, physicochemical variation, residue mobility, and thermodynamic stability) indicates that this missense variant is expected to disrupt PIGM protein function with a positive predictive value of 80%. In summary, the available evidence is currently insufficient to determine the role of this variant in disease. Therefore, it has been classified as a Variant of Uncertain Significance.

Ambry Genetics
Classification: Uncertain significance. Last evaluated: 2025-03-27. Review status: criteria provided, single submitter. Criteria: Ambry Variant Classification Scheme 2023. Collection method: clinical testing. Allele origin: germline.

GeneDx
Classification: Uncertain significance. Last evaluated: 2024-02-22. Review status: criteria provided, single submitter. Criteria: GeneDx Variant Classification Process June 2021. Collection method: clinical testing. Allele origin: germline. Affected: yes.
Comment: In silico analysis supports that this missense variant has a deleterious effect on protein structure/function; Has not been previously published as pathogenic or benign to our knowledge

NM_145167.3(PIGM):c.1090T>C (p.Trp364Arg)

Gene: PIGM (phosphatidylinositol glycan anchor biosynthesis class M; minus strand). Cytogenetic location: 1q23.2.
Variant type: single nucleotide variant.
Coding change: c.1090T>C on transcript NM_145167.3 (MANE Select); coding-DNA position 1090, T replaced by C.
Protein change: p.Trp364Arg; replaces tryptophan 364 with arginine.
Molecular consequence: missense variant.
Genome position (GRCh38, 1-based): chr1:160,030,650, A>G on the plus strand (T>C on the coding strand, the complement: PIGM is on the minus strand). VCF-style: chr1-160030650-A-G. GRCh37 (hg19) VCF-style: chr1-160000440-A-G.
Other names: short protein forms W364R.
Identifiers: ClinVar variation 2071768 (VCV002071768.6), dbSNP rs376650850, ClinGen allele CA1192934.